The following is an entry in ClinVar:

ClinVar aggregate classification (germline): Uncertain significance (1 of 4 stars; one submission).

Conditions:
Limb-girdle muscular dystrophy due to POMK deficiency. Also called: MUSCULAR DYSTROPHY-DYSTROGLYCANOPATHY, LIMB-GIRDLE, POMK-RELATED; Muscular dystrophy-dystroglycanopathy (limb-girdle), type c, 12. Identifiers: Orphanet 445110, MedGen C4015184, MONDO:0014489, OMIM 616094.
Muscular dystrophy-dystroglycanopathy (congenital with brain and eye anomalies), type a, 12 (MDDGA12). Also called: WALKER-WARBURG SYNDROME OR MUSCLE-EYE-BRAIN DISEASE, POMK-RELATED. Identifiers: Orphanet 899, MedGen C3808964, MONDO:0014101, OMIM 615249.

Submission:

Labcorp Genetics (formerly Invitae), Labcorp
Classification: Uncertain significance for Muscular dystrophy-dystroglycanopathy (congenital with brain and eye anomalies), type a, 12; Muscular dystrophy-dystroglycanopathy (limb-girdle), type c, 12. Last evaluated: 2019-05-22. Review status: criteria provided, single submitter. Criteria: Invitae Variant Classification Sherloc (09022015). Collection method: clinical testing. Allele origin: germline.
Comment: This sequence change replaces serine with arginine at codon 219 of the POMK protein (p.Ser219Arg). The serine residue is highly conserved and there is a moderate physicochemical difference between serine and arginine. This variant is not present in population databases (ExAC no frequency). This variant has not been reported in the literature in individuals with POMK-related conditions. Algorithms developed to predict the effect of missense changes on protein structure and function are either unavailable or do not agree on the potential impact of this missense change (SIFT: "Deleterious"; PolyPhen-2: "Benign"; Align-GVGD: "Class C25"). In summary, the available evidence is currently insufficient to determine the role of this variant in disease. Therefore, it has been classified as a Variant of Uncertain Significance.

NM_032237.5(POMK):c.657C>A (p.Ser219Arg)

Gene: POMK (protein O-mannose kinase; plus strand). Cytogenetic location: 8p11.21.
Variant type: single nucleotide variant.
Coding change: c.657C>A on transcript NM_032237.5 (MANE Select); coding-DNA position 657, C replaced by A.
Protein change: p.Ser219Arg; replaces serine 219 with arginine.
Molecular consequence: missense variant.
Genome position (GRCh38, 1-based): chr8:43,122,481, C>A. VCF-style: chr8-43122481-C-A. GRCh37 (hg19) VCF-style: chr8-42977624-C-A.
Other names: c.657C>A, p.Ser219Arg (NM_001277971.2); short protein forms S219R.
Identifiers: ClinVar variation 949145 (VCV000949145.1), dbSNP rs1811940888, ClinGen allele CA371122374.